The following is an entry in ClinVar:

NM_001267550.2(TTN):c.18868+5G>C

Genes: TTN (titin; minus strand), LOC126806430 (BRD4-independent group 4 enhancer GRCh37_chr2:179593794-179594993; plus strand). Cytogenetic location: 2q31.2.
Variant type: single nucleotide variant.
Coding change: c.18868+5G>C on transcript NM_001267550.2 (MANE Select); 5 bases into the intron after coding-DNA position 18868, G replaced by C.
Molecular consequence: intron variant.
Genome position (GRCh38, 1-based): chr2:178,729,283, C>G on the plus strand (G>C on the coding strand, the complement: TTN is on the minus strand). VCF-style: chr2-178729283-C-G. GRCh37 (hg19) VCF-style: chr2-179594010-C-G.
Other names: c.13282+8799G>C (NM_003319.4); c.13858+8799G>C (NM_133437.4); c.13657+8799G>C (NM_133432.3); c.15136+5G>C (NM_133378.4); c.17917+5G>C (NM_001256850.1).
Identifiers: ClinVar variation 3755301 (VCV003755301.2).

ClinVar aggregate classification (germline): Uncertain significance (1 of 4 stars; one submission).

Conditions:
Dilated cardiomyopathy 1G (CMD1G). Identifiers: Orphanet 154, MedGen C1858763, MONDO:0011400, OMIM 604145.
Autosomal recessive limb-girdle muscular dystrophy type 2J (LGMDR10). Also called: Limb-girdle muscular dystrophy, type 2J; MUSCULAR DYSTROPHY, LIMB-GIRDLE, AUTOSOMAL RECESSIVE 10. Identifiers: Orphanet 140922, MedGen C1837342, MONDO:0012127, OMIM 608807.

Submission:

Labcorp Genetics (formerly Invitae), Labcorp
Classification: Uncertain significance for Dilated cardiomyopathy 1G; Autosomal recessive limb-girdle muscular dystrophy type 2J. Last evaluated: 2024-03-14. Review status: criteria provided, single submitter. Criteria: Invitae Variant Classification Sherloc (09022015). Collection method: clinical testing. Allele origin: germline.
Comment: This sequence change falls in intron 64 of the TTN gene. It does not directly change the encoded amino acid sequence of the TTN protein. It affects a nucleotide within the consensus splice site. This variant is not present in population databases (gnomAD no frequency). This variant has not been reported in the literature in individuals affected with TTN-related conditions. Variants that disrupt the consensus splice site are a relatively common cause of aberrant splicing (PMID: 17576681, 9536098). Algorithms developed to predict the effect of sequence changes on RNA splicing suggest that this variant may disrupt the consensus splice site. This variant is located in the I band of TTN (PMID: 25589632). Non-truncating variants in this region may be clinically relevant, but have not been definitively shown to cause cardiomyopathy or neuromuscular disease (PMID: 27493940, 32778822). In summary, the available evidence is currently insufficient to determine the role of this variant in disease. Therefore, it has been classified as a Variant of Uncertain Significance.

Literature cited by the submitters: PubMed 17576681; PubMed 9536098; PubMed 25589632; PubMed 27493940; PubMed 32778822.